The following is an entry in ClinVar:

ClinVar aggregate classification (germline): Uncertain significance (1 of 4 stars; one submission).

Conditions:
Isolated microphthalmia 4. Identifiers: Orphanet 2542, MedGen C2751307, MONDO:0013130, OMIM 613094.
Klippel-Feil syndrome 1, autosomal dominant (KFS1). Also called: CERVICAL VERTEBRAL FUSION, AUTOSOMAL DOMINANT. Identifiers: Orphanet 2345, MedGen C1861689, MONDO:0007306, OMIM 118100.
Microphthalmia, isolated, with coloboma 6 (MCOPCB6). Also called: Microphthalmia with coloboma 6, digenic; Microphthalmia with coloboma 6; MICROPHTHALMIA/COLOBOMA 6. Identifiers: Orphanet 98938, MedGen C3150968, MONDO:0013376, OMIM 613703.
Leber congenital amaurosis 17 (LCA17). Identifiers: Orphanet 65, MedGen C3715164, MONDO:0014145, OMIM 615360.

Submission:

Labcorp Genetics (formerly Invitae), Labcorp
Classification: Uncertain significance for Isolated microphthalmia 4; Leber congenital amaurosis 17; Klippel-Feil syndrome 1, autosomal dominant; Microphthalmia, isolated, with coloboma 6. Last evaluated: 2021-12-23. Review status: criteria provided, single submitter. Criteria: Invitae Variant Classification Sherloc (09022015). Collection method: clinical testing. Allele origin: germline.
Comment: This variant is not present in population databases (gnomAD no frequency). This sequence change replaces lysine, which is basic and polar, with arginine, which is basic and polar, at codon 41 of the GDF6 protein (p.Lys41Arg). This variant has not been reported in the literature in individuals affected with GDF6-related conditions. Algorithms developed to predict the effect of missense changes on protein structure and function output the following: SIFT: "Tolerated"; PolyPhen-2: "Benign"; Align-GVGD: "Class C0". The arginine amino acid residue is found in multiple mammalian species, which suggests that this missense change does not adversely affect protein function. Algorithms developed to predict the effect of sequence changes on RNA splicing suggest that this variant may create or strengthen a splice site. In summary, the available evidence is currently insufficient to determine the role of this variant in disease. Therefore, it has been classified as a Variant of Uncertain Significance.

NM_001001557.4(GDF6):c.122A>G (p.Lys41Arg)

Gene: GDF6 (growth differentiation factor 6; minus strand). Cytogenetic location: 8q22.1.
Variant type: single nucleotide variant.
Coding change: c.122A>G on transcript NM_001001557.4 (MANE Select); coding-DNA position 122, A replaced by G.
Protein change: p.Lys41Arg; replaces lysine 41 with arginine.
Molecular consequence: missense variant.
Genome position (GRCh38, 1-based): chr8:96,160,571, T>C on the plus strand (A>G on the coding strand, the complement: GDF6 is on the minus strand). VCF-style: chr8-96160571-T-C. GRCh37 (hg19) VCF-style: chr8-97172799-T-C.
Other names: short protein forms K41R.
Identifiers: ClinVar variation 2055465 (VCV002055465.4), dbSNP rs2487849847, ClinGen allele CA371753912.
Genomic context (GRCh38, chr8:96,160,571, plus strand): 5'-CCCGCGTCACTGTCGCGCGGCGCCCGCTGCATCTTGCCTTCCTTGCGGCTTCGCATGCCC[T>C]TGGTGGAACCCAGCTCGGCGGACGACGAGGAGGATGAGATGGAAGCCTGCTGGAAACCGG-3'
Protein context (NP_001001557.1, residues 31-51): SSSSAELGST[Lys41Arg]GMRSRKEGKM